The following is an entry in ClinVar:

ClinVar aggregate classification (germline): Uncertain significance (1 of 4 stars; one submission).

Conditions:
Inborn genetic diseases. Identifiers: MedGen C0950123, MeSH D030342.

Submission:

Ambry Genetics
Classification: Uncertain significance for Inborn genetic diseases. Last evaluated: 2025-12-22. Review status: criteria provided, single submitter. Criteria: Ambry Variant Classification Scheme 2023. Collection method: clinical testing. Allele origin: germline.
Comment: The p.P527T variant (also known as c.1579C>A), located in coding exon 8 of the MECOM gene, results from a C to A substitution at nucleotide position 1579. The proline at codon 527 is replaced by threonine, an amino acid with highly similar properties. This amino acid position is conserved. In addition, the in silico prediction for this alteration is inconclusive. Based on the available evidence, the clinical significance of this variant remains unclear.

NM_004991.4(MECOM):c.1579C>A (p.Pro527Thr)

Gene: MECOM (MDS1 and EVI1 complex locus; minus strand). Cytogenetic location: 3q26.2.
Variant type: single nucleotide variant.
Coding change: c.1579C>A on transcript NM_004991.4 (MANE Select); coding-DNA position 1579, C replaced by A.
Protein change: p.Pro527Thr; replaces proline 527 with threonine.
Molecular consequence: missense variant. On other transcripts: intron variant (2).
Genome position (GRCh38, 1-based): chr3:169,116,293, G>T on the plus strand (C>A on the coding strand, the complement: MECOM is on the minus strand). VCF-style: chr3-169116293-G-T. GRCh37 (hg19) VCF-style: chr3-168834081-G-T.
Other names: c.1210C>A, p.Pro404Thr (NM_001105077.4); c.1015C>A, p.Pro339Thr (NM_001105078.4, NM_001164000.2, NM_001205194.2 and 4 more transcripts); c.1018C>A, p.Pro340Thr (NM_001163999.2, NM_001366467.2, NM_001366468.2 and 1 more transcripts); c.1579C>A, p.Pro527Thr (NM_001366466.2); c.1133-526C>A (NM_001366473.2); c.569-526C>A (NM_001366474.2); short protein forms P340T, P339T, P404T, P527T.
Identifiers: ClinVar variation 4842753 (VCV004842753.1).